The following is an entry in ClinVar:

NM_001458.5(FLNC):c.53C>T (p.Thr18Ile)

Gene: FLNC (filamin C; plus strand). Cytogenetic location: 7q32.1.
Variant type: single nucleotide variant.
Coding change: c.53C>T on transcript NM_001458.5 (MANE Select); coding-DNA position 53, C replaced by T.
Protein change: p.Thr18Ile; replaces threonine 18 with isoleucine.
Molecular consequence: missense variant.
Genome position (GRCh38, 1-based): chr7:128,830,690, C>T. VCF-style: chr7-128830690-C-T. GRCh37 (hg19) VCF-style: chr7-128470744-C-T.
Other names: c.53C>T, p.Thr18Ile (NM_001127487.2); short protein forms T18I.
Identifiers: ClinVar variation 3515956 (VCV003515956.1).

ClinVar aggregate classification (germline): Uncertain significance (1 of 4 stars; one submission).

Conditions:
Cardiovascular phenotype. Identifiers: MedGen CN230736.

Submission:

Ambry Genetics
Classification: Uncertain significance for Cardiovascular phenotype. Last evaluated: 2024-10-21. Review status: criteria provided, single submitter. Criteria: Ambry Variant Classification Scheme 2023. Collection method: clinical testing. Allele origin: germline.
Comment: The p.T18I variant (also known as c.53C>T), located in coding exon 1 of the FLNC gene, results from a C to T substitution at nucleotide position 53. The threonine at codon 18 is replaced by isoleucine, an amino acid with similar properties. This amino acid position is conserved. In addition, this alteration is predicted to be tolerated by in silico analysis. Based on the available evidence, the clinical significance of this variant remains unclear.